The following is an entry in ClinVar:

ClinVar aggregate classification (germline): Conflicting classifications of pathogenicity. Review status: criteria provided, conflicting classifications (1 of 4 stars). 3 submissions from 3 submitters: Pathogenic (1); Likely pathogenic (1); Uncertain significance (1). Last evaluated 2023-03-20.

Conditions:
NF1-related disorder. Also called: NF1-related condition. Identifiers: MedGen CN379171.
Neurofibromatosis, type 1 (NF1). Also called: NEUROFIBROMATOSIS, TYPE I, SOMATIC; Neurofibromatosis, type I; Peripheral type neurofibromatosis; VON RECKLINGHAUSEN DISEASE. Identifiers: Orphanet 636, MedGen C0027831, MONDO:0018975, OMIM 162200. Disease mechanism: loss of function.

Submissions (3):

Labcorp Genetics (formerly Invitae), Labcorp
Classification: Pathogenic for Neurofibromatosis, type 1. Last evaluated: 2023-03-20. Review status: criteria provided, single submitter. Criteria: Invitae Variant Classification Sherloc (09022015). Collection method: clinical testing. Allele origin: germline.
Comment: Advanced modeling of protein sequence and biophysical properties (such as structural, functional, and spatial information, amino acid conservation, physicochemical variation, residue mobility, and thermodynamic stability) performed at Invitae indicates that this missense variant is expected to disrupt NF1 protein function. For these reasons, this variant has been classified as Pathogenic. This variant disrupts the p.Leu94 amino acid residue in NF1. Other variant(s) that disrupt this residue have been observed in individuals with NF1-related conditions (PMID: 31717729; Invitae), which suggests that this may be a clinically significant amino acid residue. ClinVar contains an entry for this variant (Variation ID: 636963). This missense change has been observed in individuals with neurofibromatosis, type 1 (Invitae). This variant is not present in population databases (gnomAD no frequency). This sequence change replaces leucine, which is neutral and non-polar, with arginine, which is basic and polar, at codon 94 of the NF1 protein (p.Leu94Arg).

GeneDx
Classification: Uncertain significance. Last evaluated: 2022-03-04. Review status: criteria provided, single submitter. Criteria: GeneDx Variant Classification Process June 2021. Collection method: clinical testing. Allele origin: germline. Affected: yes.
Comment: Not observed at significant frequency in large population cohorts (gnomAD); In silico analysis supports that this missense variant has a deleterious effect on protein structure/function; Has not been previously published as pathogenic or benign to our knowledge

Blueprint Genetics
Classification: Likely pathogenic for NF1-related disorders. Last evaluated: 2018-05-16. Review status: criteria provided, single submitter. Criteria: ACMG Guidelines, 2015. Collection method: clinical testing. Allele origin: germline. Affected: yes. Observed: 1 variant allele.

Literature cited by the submitters: PubMed 31717729 (cited by Labcorp Genetics (formerly Invitae), Labcorp).

NM_001042492.3(NF1):c.281T>G (p.Leu94Arg)

Gene: NF1 (neurofibromin 1; plus strand). Cytogenetic location: 17q11.2.
Variant type: single nucleotide variant.
Coding change: c.281T>G on transcript NM_001042492.3 (MANE Select); coding-DNA position 281, T replaced by G.
Protein change: p.Leu94Arg; replaces leucine 94 with arginine.
Molecular consequence: missense variant.
Genome position (GRCh38, 1-based): chr17:31,159,086, T>G. VCF-style: chr17-31159086-T-G. GRCh37 (hg19) VCF-style: chr17-29486104-T-G.
Other names: p.(Leu94Arg); c.281T>G, p.Leu94Arg (NM_000267.4, NM_001128147.3); short protein forms L94R.
Identifiers: ClinVar variation 636963 (VCV000636963.8), dbSNP rs1597629884, ClinGen allele CA398989867.